The following is an entry in ClinVar:

NM_005876.5(SPEG):c.8188G>A (p.Asp2730Asn)

Genes: ASIC4-AS1 (ASIC4 antisense RNA 1; minus strand), SPEG (striated muscle enriched protein kinase; plus strand). Cytogenetic location: 2q35.
Variant type: single nucleotide variant.
Coding change: c.8188G>A on transcript NM_005876.5 (MANE Select); coding-DNA position 8188, G replaced by A.
Protein change: p.Asp2730Asn; replaces aspartic acid 2730 with asparagine.
Molecular consequence: missense variant.
Genome position (GRCh38, 1-based): chr2:219,489,092, G>A. VCF-style: chr2-219489092-G-A. GRCh37 (hg19) VCF-style: chr2-220353814-G-A.
Other names: short protein forms D2730N.
Identifiers: ClinVar variation 721483 (VCV000721483.12), dbSNP rs200598748, ClinGen allele CA2127428.

ClinVar aggregate classification (germline): Conflicting classifications of pathogenicity. Review status: criteria provided, conflicting classifications (1 of 4 stars). 4 submissions from 4 submitters: Uncertain significance (2); Likely benign (1). 1 of the submissions does not count toward it. Last evaluated 2025-11-25.

Conditions:
SPEG-related disorder. Also called: SPEG-related condition.
Inborn genetic diseases. Identifiers: MedGen C0950123, MeSH D030342.
Myopathy, centronuclear, 5 (CNM5). Identifiers: Orphanet 169186, MedGen C4014814, MONDO:0014418, OMIM 615959.

Allele frequency attached by ClinVar (database versions not stated): gnomAD exomes 0.00024 and 0.00051; ExAC 0.00058; 1000 Genomes Project 0.00060; 1000 Genomes Project 30x 0.00062; ESP Exome Variant Server 0.00071; gnomAD 0.00094 and 0.00100; TOPMed 0.00105.
gnomAD v4.1: 496 of 1,613,894 alleles (0.031%); highest among the groups gnomAD compares: African/African-American, 0.37%; 2 homozygotes.

Submissions (4):

Labcorp Genetics (formerly Invitae), Labcorp
Classification: Likely benign. Last evaluated: 2025-11-25. Review status: criteria provided, single submitter. Criteria: Invitae Variant Classification Sherloc (09022015). Collection method: clinical testing. Allele origin: germline.

Revvity Omics, Revvity
Classification: Uncertain significance for Myopathy, centronuclear, 5. Last evaluated: 2024-07-29. Review status: criteria provided, single submitter. Criteria: ACMG Guidelines, 2015. Collection method: clinical testing. Allele origin: germline.

Ambry Genetics
Classification: Uncertain significance for Inborn genetic diseases. Last evaluated: 2024-03-19. Review status: criteria provided, single submitter. Criteria: Ambry Variant Classification Scheme 2023. Collection method: clinical testing. Allele origin: germline.

PreventionGenetics, part of Exact Sciences
Classification: Likely benign for SPEG-related condition. Last evaluated: 2024-06-20. Review status: no assertion criteria provided. Collection method: clinical testing. Allele origin: germline. Not counted in ClinVar's aggregate classification.
Comment: This variant is classified as likely benign based on ACMG/AMP sequence variant interpretation guidelines (Richards et al. 2015 PMID: 25741868, with internal and published modifications).